The following is an entry in ClinVar:

NM_001371986.1(UNC80):c.1997A>G (p.His666Arg)

Gene: UNC80 (unc-80 homolog, NALCN channel complex subunit; plus strand). Cytogenetic location: 2q34.
Variant type: single nucleotide variant.
Coding change: c.1997A>G on transcript NM_001371986.1 (MANE Select); coding-DNA position 1997, A replaced by G.
Protein change: p.His666Arg; replaces histidine 666 with arginine.
Molecular consequence: missense variant.
Genome position (GRCh38, 1-based): chr2:209,820,345, A>G. VCF-style: chr2-209820345-A-G. GRCh37 (hg19) VCF-style: chr2-210685069-A-G.
Other names: c.1997A>G, p.His666Arg (NM_032504.2, NM_182587.4); short protein forms H666R.
Identifiers: ClinVar variation 2089862 (VCV002089862.3), dbSNP rs1442588835, ClinGen allele CA350136236.

ClinVar aggregate classification (germline): Uncertain significance (1 of 4 stars; one submission).

Allele frequency attached by ClinVar (database versions not stated): gnomAD 0.00001.
gnomAD v4.1: 11 of 1,549,878 alleles (0.00071%); highest among the groups gnomAD compares: African/African-American, 0.0014%; no homozygotes.

Submission:

Labcorp Genetics (formerly Invitae), Labcorp
Classification: Uncertain significance. Last evaluated: 2022-01-05. Review status: criteria provided, single submitter. Criteria: Invitae Variant Classification Sherloc (09022015). Collection method: clinical testing. Allele origin: germline.
Comment: In summary, the available evidence is currently insufficient to determine the role of this variant in disease. Therefore, it has been classified as a Variant of Uncertain Significance. This sequence change replaces histidine, which is basic and polar, with arginine, which is basic and polar, at codon 666 of the UNC80 protein (p.His666Arg). This variant is present in population databases (no rsID available, gnomAD 0.002%). This variant has not been reported in the literature in individuals affected with UNC80-related conditions. Algorithms developed to predict the effect of missense changes on protein structure and function are either unavailable or do not agree on the potential impact of this missense change (SIFT: "Not Available"; PolyPhen-2: "Probably Damaging"; Align-GVGD: "Not Available").